The following is an entry in ClinVar:

NM_001184880.2(PCDH19):c.592C>G (p.Arg198Gly)

Gene: PCDH19 (protocadherin 19; minus strand). Cytogenetic location: Xq22.1.
Variant type: single nucleotide variant.
Coding change: c.592C>G on transcript NM_001184880.2 (MANE Select); coding-DNA position 592, C replaced by G.
Protein change: p.Arg198Gly; replaces arginine 198 with glycine.
Molecular consequence: missense variant.
Genome position (GRCh38, 1-based): chrX:100,408,006, G>C on the plus strand (C>G on the coding strand, the complement: PCDH19 is on the minus strand). VCF-style: chrX-100408006-G-C. GRCh37 (hg19) VCF-style: chrX-99663004-G-C.
Other names: c.592C>G, p.Arg198Gly (NM_001105243.2, NM_020766.3); short protein forms R198G.
Identifiers: ClinVar variation 1385337 (VCV001385337.8), dbSNP rs2147541358, ClinGen allele CA414009147.

ClinVar aggregate classification (germline): Likely pathogenic (1 of 4 stars; one submission).

Conditions:
Developmental and epileptic encephalopathy, 9 (DEE9). Also called: PCDH19-Related X-Linked Female-Limited Epilepsy with Mental Retardation; Early infantile epileptic encephalopathy 9; EPILEPSY, FEMALE-RESTRICTED, WITH MENTAL RETARDATION; JUBERG-HELLMAN SYNDROME. Identifiers: Orphanet 101039, Orphanet 2076, MedGen C1848137, MONDO:0010246, OMIM 300088. Disease mechanism: loss of function.

Submission:

Labcorp Genetics (formerly Invitae), Labcorp
Classification: Likely pathogenic for Developmental and epileptic encephalopathy, 9. Last evaluated: 2025-04-02. Review status: criteria provided, single submitter. Criteria: Invitae Variant Classification Sherloc (09022015). Collection method: clinical testing. Allele origin: germline.
Comment: This sequence change replaces arginine, which is basic and polar, with glycine, which is neutral and non-polar, at codon 198 of the PCDH19 protein (p.Arg198Gly). This variant is not present in population databases (gnomAD no frequency). This variant has not been reported in the literature in individuals affected with PCDH19-related conditions. ClinVar contains an entry for this variant (Variation ID: 1385337). Invitae Evidence Modeling of protein sequence and biophysical properties (such as structural, functional, and spatial information, amino acid conservation, physicochemical variation, residue mobility, and thermodynamic stability) indicates that this missense variant is expected to disrupt PCDH19 protein function with a positive predictive value of 95%. This variant disrupts the p.Arg198 amino acid residue in PCDH19. Other variant(s) that disrupt this residue have been determined to be pathogenic (PMID: 23712037, 29377098). This suggests that this residue is clinically significant, and that variants that disrupt this residue are likely to be disease-causing. In summary, the currently available evidence indicates that the variant is pathogenic, but additional data are needed to prove that conclusively. Therefore, this variant has been classified as Likely Pathogenic.

Literature cited by the submitters: PubMed 23712037; PubMed 29377098.